The following is an entry in ClinVar:

NM_001999.4(FBN2):c.7400A>G (p.Asn2467Ser)

Gene: FBN2 (fibrillin 2; minus strand). Cytogenetic location: 5q23.3.
Variant type: single nucleotide variant.
Coding change: c.7400A>G on transcript NM_001999.4 (MANE Select); coding-DNA position 7400, A replaced by G.
Protein change: p.Asn2467Ser; replaces asparagine 2467 with serine.
Molecular consequence: missense variant.
Genome position (GRCh38, 1-based): chr5:128,277,951, T>C on the plus strand (A>G on the coding strand, the complement: FBN2 is on the minus strand). VCF-style: chr5-128277951-T-C. GRCh37 (hg19) VCF-style: chr5-127613643-T-C.
Other names: short protein forms N2467S.
Identifiers: ClinVar variation 213360 (VCV000213360.9), dbSNP rs562508529, ClinGen allele CA320191.

ClinVar aggregate classification (germline): Conflicting classifications of pathogenicity. Review status: criteria provided, conflicting classifications (1 of 4 stars). 4 submissions from 4 submitters: Uncertain significance (3); Likely benign (1). Last evaluated 2025-11-24.

Conditions:
Familial thoracic aortic aneurysm and aortic dissection (TAAD). Also called: Thoracic aortic aneurysms and dissections. Identifiers: Orphanet 91387, MedGen C4707243, MONDO:0019625.
Congenital contractural arachnodactyly (CCA). Also called: BEALS SYNDROME; Beals-Hecht syndrome; Arthrogryposis, distal, type 9. Identifiers: Orphanet 115, MedGen C0220668, MONDO:0007363, OMIM 121050.

Allele frequency attached by ClinVar (database versions not stated): ExAC 0.00001; gnomAD 0.00002 and 0.00003; gnomAD exomes 0.00002 and 0.00003; TOPMed 0.00002; 1000 Genomes Project 30x 0.00016; 1000 Genomes Project 0.00020.
gnomAD v4.1: 43 of 1,613,930 alleles (0.0027%); highest among the groups gnomAD compares: Admixed American, 0.005%; no homozygotes.

Submissions (4):

Labcorp Genetics (formerly Invitae), Labcorp
Classification: Likely benign for Congenital contractural arachnodactyly. Last evaluated: 2025-11-24. Review status: criteria provided, single submitter. Criteria: Invitae Variant Classification Sherloc (09022015). Collection method: clinical testing. Allele origin: germline.

Ambry Genetics
Classification: Uncertain significance for Familial thoracic aortic aneurysm and aortic dissection. Last evaluated: 2024-07-19. Review status: criteria provided, single submitter. Criteria: Ambry Variant Classification Scheme 2023. Collection method: clinical testing. Allele origin: germline.
Comment: The p.N2467S variant (also known as c.7400A>G), located in coding exon 58 of the FBN2 gene, results from an A to G substitution at nucleotide position 7400. The asparagine at codon 2467 is replaced by serine, an amino acid with highly similar properties. This amino acid position is highly conserved in available vertebrate species. In addition, the in silico prediction for this alteration is inconclusive. Based on the available evidence, the clinical significance of this variant remains unclear.

Blueprint Genetics
Classification: Uncertain significance. Last evaluated: 2022-06-24. Review status: criteria provided, single submitter. Criteria: ACMG Guidelines, 2015. Collection method: clinical testing. Allele origin: germline.

GeneDx
Classification: Uncertain significance. Last evaluated: 2012-11-05. Review status: criteria provided, single submitter. Criteria: GeneDx Variant Classification (06012015). Collection method: clinical testing. Allele origin: germline. Affected: yes.
Comment: p.Asn2467Ser (AAT>AGT): c.7400 A>G in exon 58 of the FBN2 gene (NM_001999.3) The Asn2467Ser variant in the FBN2 gene has not been reported as a disease-causing mutation or as a benign polymorphism to our knowledge. Although Asn2467Ser results in a conservative amino acid substitution of one polar amino acid with another, the Asn2467 position is conserved across species. In silico analysis predicts Asn2467Ser is possibly damaging to the protein structure/function. The NHLBI ESP Exome Variant Server reports Asn2467Ser was not observed in approximately 6,000 samples from individuals of European and African American backgrounds, indicating it is not a common benign variant in these populations. Nevertheless, no mutations in nearby codons have been reported in association with congenital contractural arachnodactyly, indicating this region of the protein may be tolerant of change. With the clinical and molecular information available at this time, we cannot definitively determine if Asn2467Ser is a disease-causing mutation or a rare benign variant This variant was found in TAAD